The following is an entry in ClinVar:

NM_206933.4(USH2A):c.10628G>A (p.Arg3543His)

Gene: USH2A (usherin; minus strand). Cytogenetic location: 1q41.
Variant type: single nucleotide variant.
Coding change: c.10628G>A on transcript NM_206933.4 (MANE Select); coding-DNA position 10628, G replaced by A.
Protein change: p.Arg3543His; replaces arginine 3543 with histidine.
Molecular consequence: missense variant.
Genome position (GRCh38, 1-based): chr1:215,782,154, C>T on the plus strand (G>A on the coding strand, the complement: USH2A is on the minus strand). VCF-style: chr1-215782154-C-T. GRCh37 (hg19) VCF-style: chr1-215955496-C-T.
Other names: c.10628G>A (NM_206933.2); short protein forms R3543H.
Identifiers: ClinVar variation 2148256 (VCV002148256.10), dbSNP rs759338880, ClinGen allele CA1393967.

ClinVar aggregate classification (germline): Uncertain significance. Review status: criteria provided, multiple submitters, no conflicts (2 of 4 stars). 6 submissions from 5 submitters: Uncertain significance (6). Last evaluated 2026-03-17.

Conditions:
USH2A-related disorder. Also called: USH2A-related condition; USH2A-related disorders. Identifiers: MedGen CN239332.
Retinitis pigmentosa 39 (RP39). Identifiers: Orphanet 791, MedGen C3151138, MONDO:0013436, OMIM 613809.
Usher syndrome type 2A. Also called: RETINAL DISEASE IN USHER SYNDROME TYPE IIA, MODIFIER OF; USHER SYNDROME, TYPE IIA. Identifiers: Orphanet 231178, Orphanet 886, MedGen C1848634, MONDO:0010169, OMIM 276901.

Allele frequency attached by ClinVar (database versions not stated): ExAC 0.00002; gnomAD exomes 0.00002; TOPMed 0.00003; gnomAD 0.00004; 1000 Genomes Project 30x 0.00016.
gnomAD v4.1: 41 of 1,613,850 alleles (0.0025%); highest among the groups gnomAD compares: African/African-American, 0.004%; no homozygotes.

Submissions (6):

PreventionGenetics, part of Exact Sciences
Classification: Uncertain significance for USH2A-related condition. Last evaluated: 2026-03-17. Review status: criteria provided, single submitter. Criteria: ACMG Guidelines, 2015. Collection method: clinical testing. Allele origin: germline.
Comment: The USH2A c.10628G>A variant is predicted to result in the amino acid substitution p.Arg3543His. To our knowledge, this variant has not been reported in the literature. This variant is reported in 0.0062% of alleles in individuals of African descent in gnomAD. At this time, the clinical significance of this variant is uncertain due to the absence of conclusive functional and genetic evidence.

GeneDx
Classification: Uncertain significance. Last evaluated: 2024-08-01. Review status: criteria provided, single submitter. Criteria: GeneDx Variant Classification Process June 2021. Collection method: clinical testing. Allele origin: germline.
Comment: Not observed at significant frequency in large population cohorts (gnomAD); In silico analysis indicates that this missense variant does not alter protein structure/function; Has not been previously published as pathogenic or benign to our knowledge

Labcorp Genetics (formerly Invitae), Labcorp
Classification: Uncertain significance. Last evaluated: 2024-07-22. Review status: criteria provided, single submitter. Criteria: Invitae Variant Classification Sherloc (09022015). Collection method: clinical testing. Allele origin: germline.
Comment: This sequence change replaces arginine, which is basic and polar, with histidine, which is basic and polar, at codon 3543 of the USH2A protein (p.Arg3543His). This variant is present in population databases (rs759338880, gnomAD 0.007%). This variant has not been reported in the literature in individuals affected with USH2A-related conditions. ClinVar contains an entry for this variant (Variation ID: 2148256). Advanced modeling of protein sequence and biophysical properties (such as structural, functional, and spatial information, amino acid conservation, physicochemical variation, residue mobility, and thermodynamic stability) performed at Invitae indicates that this missense variant is not expected to disrupt USH2A protein function with a negative predictive value of 95%. In summary, the available evidence is currently insufficient to determine the role of this variant in disease. Therefore, it has been classified as a Variant of Uncertain Significance.

Genome-Nilou Lab
Classification: Uncertain significance for Retinitis pigmentosa 39. Last evaluated: 2023-11-04. Review status: criteria provided, single submitter. Criteria: ACMG Guidelines, 2015. Collection method: clinical testing. Allele origin: germline. Affected: no.

Genome-Nilou Lab
Classification: Uncertain significance for Usher syndrome type 2A. Last evaluated: 2023-11-04. Review status: criteria provided, single submitter. Criteria: ACMG Guidelines, 2015. Collection method: clinical testing. Allele origin: germline. Affected: no.

Blueprint Genetics
Classification: Uncertain significance. Last evaluated: 2017-07-04. Review status: criteria provided, single submitter. Criteria: ACMG Guidelines, 2015. Collection method: clinical testing. Allele origin: germline.